The following is an entry in ClinVar:

NM_004525.3(LRP2):c.10305del (p.Lys3435fs)

Gene: LRP2 (LDL receptor related protein 2; minus strand). Cytogenetic location: 2q31.1.
Variant type: Deletion.
Coding change: c.10305del on transcript NM_004525.3 (MANE Select); coding-DNA position 10305, one base deleted (A; older notation c.10305delA).
Protein change: p.Lys3435fs; shifts the reading frame from lysine 3435.
Molecular consequence: frameshift variant.
Genome position (GRCh38, 1-based): chr2:169,177,891, T deleted on the plus strand (A on the coding strand, the reverse complement: LRP2 is on the minus strand); the first of 3 consecutive T bases (chr2:169,177,891-169,177,893); deleting any one gives the same sequence. VCF-style (leftmost placement, unchanged base first): chr2-169177890-AT-A. GRCh37 (hg19) VCF-style: chr2-170034400-AT-A.
Other names: short protein forms K3435fs.
Identifiers: ClinVar variation 5014732 (VCV005014732.1).
Genomic context (GRCh38, chr2:169,177,890, plus strand): 5'-CATGGATGTCAAATGGTCTGTGTGTTGTGTTCACCAGTGTCTGTCTATTTGATCCATCAT[AT>A]TTGTTTCCCTTTTCCACTGTCCTTGTATTCCAATCTGTCCAATAAATAGTGTCTTCAAAA-3'

ClinVar aggregate classification (germline): Pathogenic (1 of 4 stars; one submission).

Conditions:
Donnai-Barrow syndrome. Also called: DBS/FOAR SYNDROME; FACIOOCULOACOUSTICORENAL SYNDROME. Identifiers: Orphanet 2143, MedGen C1857277, MONDO:0009104, OMIM 222448.

Submission:

Myriad Genetics, Inc.
Classification: Pathogenic for Donnai-Barrow syndrome. Last evaluated: 2025-07-14. Review status: criteria provided, single submitter. Criteria: Myriad Autosomal Dominant, Autosomal Recessive and X-Linked Classification Criteria (2023). Collection method: clinical testing. Allele origin: unknown.
Comment: NM_004525.2(LRP2):c.10305delA(K3435Nfs*11) is expected to be pathogenic in the context of Donnai-Barrow syndrome. This variant is predicted to lead to an abnormal or absent protein product due to the creation of a premature termination codon in LRP2, a gene where loss-of-function variants are known to be pathogenic. Please note: this variant was assessed in the context of healthy population screening.